The following is an entry in ClinVar:

ClinVar aggregate classification (germline): Benign (1 of 4 stars; one submission).

gnomAD v4.1: 828 of 1,556,506 alleles (0.053%); highest among the groups gnomAD compares: Non-Finnish European, 0.058%; 3 homozygotes.

Submission:

CeGaT Center for Human Genetics Tuebingen
Classification: Benign. Last evaluated: 2024-08-01. Review status: criteria provided, single submitter. Criteria: CeGaT Center For Human Genetics Tuebingen Variant Classification Criteria Version 2. Collection method: clinical testing. Allele origin: germline. Affected: yes. Observed: 1 variant allele.
Comment: SPTBN5: BS1, BS2

NM_016642.4(SPTBN5):c.6781C>T (p.Leu2261=)

Gene: SPTBN5 (spectrin beta, non-erythrocytic 5; minus strand). Cytogenetic location: 15q15.1.
Variant type: single nucleotide variant.
Coding change: c.6781C>T on transcript NM_016642.4 (MANE Select); coding-DNA position 6781, C replaced by T.
Protein change: p.Leu2261=; no amino-acid change (leucine 2261 retained).
Molecular consequence: synonymous variant.
Genome position (GRCh38, 1-based): chr15:41,866,079, G>A on the plus strand (C>T on the coding strand, the complement: SPTBN5 is on the minus strand). VCF-style: chr15-41866079-G-A. GRCh37 (hg19) VCF-style: chr15-42158277-G-A.
Identifiers: ClinVar variation 3341578 (VCV003341578.16).